The following is an entry in ClinVar:

ClinVar aggregate classification (germline): Likely pathogenic (1 of 4 stars; one submission).

Conditions:
Leber congenital amaurosis 8 (LCA8). Identifiers: Orphanet 65, MedGen C3151202, MONDO:0013453, OMIM 613835.
Retinitis pigmentosa 12 (RP12). Also called: RP WITH OR WITHOUT PPRPE; RP WITH OR WITHOUT PRESERVED PARAARTERIOLE RETINAL PIGMENT EPITHELIUM; RETINITIS PIGMENTOSA WITH OR WITHOUT PARAARTERIOLAR PRESERVATION OF RETINAL PIGMENT EPITHELIUM. Identifiers: Orphanet 791, MedGen C1838647, MONDO:0010818, OMIM 600105.

Submission:

Labcorp Genetics (formerly Invitae), Labcorp
Classification: Likely pathogenic for Leber congenital amaurosis 8; Retinitis pigmentosa 12. Last evaluated: 2024-02-27. Review status: criteria provided, single submitter. Criteria: Invitae Variant Classification Sherloc (09022015). Collection method: clinical testing. Allele origin: germline.
Comment: This sequence change replaces cysteine, which is neutral and slightly polar, with phenylalanine, which is neutral and non-polar, at codon 1312 of the CRB1 protein (p.Cys1312Phe). This variant is not present in population databases (gnomAD no frequency). This missense change has been observed in individual(s) with CRB1-related conditions (Invitae). ClinVar contains an entry for this variant (Variation ID: 2057481). Advanced modeling of protein sequence and biophysical properties (such as structural, functional, and spatial information, amino acid conservation, physicochemical variation, residue mobility, and thermodynamic stability) performed at Invitae indicates that this missense variant is expected to disrupt CRB1 protein function with a positive predictive value of 95%. This variant disrupts the p.Cys1312 amino acid residue in CRB1. Other variant(s) that disrupt this residue have been observed in individuals with CRB1-related conditions (PMID: 32531858; Invitae), which suggests that this may be a clinically significant amino acid residue. In summary, the currently available evidence indicates that the variant is pathogenic, but additional data are needed to prove that conclusively. Therefore, this variant has been classified as Likely Pathogenic.

Literature cited by the submitters: PubMed 32531858.

NM_201253.3(CRB1):c.3935G>T (p.Cys1312Phe)

Gene: CRB1 (crumbs cell polarity complex component 1; plus strand). Cytogenetic location: 1q31.3.
Variant type: single nucleotide variant.
Coding change: c.3935G>T on transcript NM_201253.3 (MANE Select); coding-DNA position 3935, G replaced by T.
Protein change: p.Cys1312Phe; replaces cysteine 1312 with phenylalanine.
Molecular consequence: missense variant. On other transcripts: non-coding transcript variant (2).
Genome position (GRCh38, 1-based): chr1:197,442,222, G>T. VCF-style: chr1-197442222-G-T. GRCh37 (hg19) VCF-style: chr1-197411352-G-T.
Other names: c.3599G>T, p.Cys1200Phe (NM_001193640.2); c.3863G>T, p.Cys1288Phe (NM_001257965.2); c.2327G>T, p.Cys776Phe (NM_001257966.2); short protein forms C1200F, C1312F, C1288F, C776F.
Identifiers: ClinVar variation 2057481 (VCV002057481.4), dbSNP rs1571572316, ClinGen allele CA344052566.
Genomic context (GRCh38, chr1:197,442,222, plus strand): 5'-GAAGGTGTGAAAAGGACATTGATGAGTGTGCCTCTGATCCGTGTGTCAATGGAGGTCTGT[G>T]CCAGGACTTACTCAACAAATTCCAGTGCCTCTGTGATGTTGCCTTTGCTGGCGAGCGCTG-3'
Protein context (NP_957705.1, residues 1302-1322): ASDPCVNGGL[Cys1312Phe]QDLLNKFQCL